The following is an entry in ClinVar:

NM_024635.4(NAA35):c.316A>G (p.Ile106Val)

Gene: NAA35 (N-alpha-acetyltransferase 35, NatC auxiliary subunit; plus strand). Cytogenetic location: 9q21.33.
Variant type: single nucleotide variant.
Coding change: c.316A>G on transcript NM_024635.4 (MANE Select); coding-DNA position 316, A replaced by G.
Protein change: p.Ile106Val; replaces isoleucine 106 with valine.
Molecular consequence: missense variant.
Genome position (GRCh38, 1-based): chr9:85,959,835, A>G. VCF-style: chr9-85959835-A-G. GRCh37 (hg19) VCF-style: chr9-88574750-A-G.
Other names: c.316A>G, p.Ile106Val (NM_001321881.2, NM_001321882.2); short protein forms I106V.
Identifiers: ClinVar variation 2713246 (VCV002713246.3), dbSNP rs150816044, ClinGen allele CA5107101.

ClinVar aggregate classification (germline): Uncertain significance (1 of 4 stars; one submission).

Allele frequency attached by ClinVar (database versions not stated): ExAC 0.00002; gnomAD 0.00004; gnomAD exomes 0.00004; TOPMed 0.00005; ESP Exome Variant Server 0.00008.
gnomAD v4.1: 64 of 1,611,400 alleles (0.004%); highest among the groups gnomAD compares: Middle Eastern, 0.016%; no homozygotes.

Submission:

Labcorp Genetics (formerly Invitae), Labcorp
Classification: Uncertain significance. Last evaluated: 2023-06-16. Review status: criteria provided, single submitter. Criteria: Invitae Variant Classification Sherloc (09022015). Collection method: clinical testing. Allele origin: germline.
Comment: In summary, the available evidence is currently insufficient to determine the role of this variant in disease. Therefore, it has been classified as a Variant of Uncertain Significance. Algorithms developed to predict the effect of sequence changes on RNA splicing suggest that this variant may create or strengthen a splice site. An algorithm developed to predict the effect of missense changes on protein structure and function (PolyPhen-2) suggests that this variant is likely to be disruptive. This variant has not been reported in the literature in individuals affected with NAA35-related conditions. This variant is present in population databases (rs150816044, gnomAD 0.004%). This sequence change replaces isoleucine, which is neutral and non-polar, with valine, which is neutral and non-polar, at codon 106 of the NAA35 protein (p.Ile106Val).